The following is an entry in ClinVar:

NM_004329.3(BMPR1A):c.1398A>G (p.Ser466=)

Gene: BMPR1A (bone morphogenetic protein receptor type 1A; plus strand). Cytogenetic location: 10q23.2.
Variant type: single nucleotide variant.
Coding change: c.1398A>G on transcript NM_004329.3 (MANE Select); coding-DNA position 1398, A replaced by G.
Protein change: p.Ser466=; no amino-acid change (serine 466 retained).
Molecular consequence: synonymous variant.
Genome position (GRCh38, 1-based): chr10:86,923,431, A>G. VCF-style: chr10-86923431-A-G. GRCh37 (hg19) VCF-style: chr10-88683188-A-G.
Identifiers: ClinVar variation 1093896 (VCV001093896.12), dbSNP rs56410735, ClinGen allele CA211211568.
Genomic context (GRCh38, chr10:86,923,431, plus strand): 5'-TATAGGGATCGTGGAAGAATACCAATTGCCATATTACAACATGGTACCGAGTGATCCGTC[A>G]TACGAAGATATGCGTGAGGTTGTGTGTGTCAAACGTTTGCGGCCAATTGTGTCTAATCGG-3'
Protein context (NP_004320.2, residues 456-476): PYYNMVPSDP[Ser466=]YEDMREVVCV

ClinVar aggregate classification (germline): Benign/Likely benign. Review status: criteria provided, multiple submitters, no conflicts (2 of 4 stars). 3 submissions from 3 submitters: Benign (1); Likely benign (2). Last evaluated 2024-12-15.

Conditions:
Juvenile polyposis syndrome (JPS). Identifiers: Orphanet 2929, MedGen C0345893, MONDO:0017380, OMIM 174900.
Hereditary cancer-predisposing syndrome. Also called: Tumor predisposition; Neoplastic Syndromes, Hereditary; Hereditary Cancer Syndrome; Hereditary neoplastic syndrome. Identifiers: Orphanet 140162, MedGen C0027672, MeSH D009386, MONDO:0015356.

Submissions (3):

Labcorp Genetics (formerly Invitae), Labcorp
Classification: Likely benign for Juvenile polyposis syndrome. Last evaluated: 2024-12-15. Review status: criteria provided, single submitter. Criteria: Invitae Variant Classification Sherloc (09022015). Collection method: clinical testing. Allele origin: germline.

Myriad Genetics, Inc.
Classification: Benign for Juvenile polyposis syndrome. Last evaluated: 2024-08-08. Review status: criteria provided, single submitter. Criteria: Myriad Autosomal Dominant, Autosomal Recessive and X-Linked Classification Criteria (2023). Collection method: clinical testing. Allele origin: unknown.
Comment: This variant is considered benign. This variant is a silent/synonymous amino acid change and it is not expected to impact splicing.

Ambry Genetics
Classification: Likely benign for Hereditary cancer-predisposing syndrome. Last evaluated: 2019-11-06. Review status: criteria provided, single submitter. Criteria: Ambry Variant Classification Scheme 2023. Collection method: clinical testing. Allele origin: germline.